The following is an entry in ClinVar:

ClinVar aggregate classification (germline): Uncertain significance. Review status: criteria provided, multiple submitters, no conflicts (2 of 4 stars). 3 submissions from 3 submitters: Uncertain significance (3). Last evaluated 2025-09-30.

Conditions:
APP-related disorder. Also called: APP-related condition.
Alzheimer disease. Also called: Presenile and senile dementia; Alzheimer's disease. Identifiers: Orphanet 1020, MedGen C0002395, MeSH D000544, MONDO:0004975, HP:0002511.

Allele frequency attached by ClinVar (database versions not stated): gnomAD exomes 0.00001 and 0.00002; ExAC 0.00002.
gnomAD v4.1: 16 of 1,614,208 alleles (0.00099%); highest among the groups gnomAD compares: South Asian, 0.0088%; no homozygotes.

Submissions (3):

Labcorp Genetics (formerly Invitae), Labcorp
Classification: Uncertain significance for Alzheimer disease. Last evaluated: 2025-09-30. Review status: criteria provided, single submitter. Criteria: Invitae Variant Classification Sherloc (09022015). Collection method: clinical testing. Allele origin: germline.
Comment: This sequence change replaces glutamic acid, which is acidic and polar, with lysine, which is basic and polar, at codon 192 of the APP protein (p.Glu192Lys). This variant is present in population databases (rs759517529, gnomAD 0.01%). This variant has not been reported in the literature in individuals affected with APP-related conditions. ClinVar contains an entry for this variant (Variation ID: 899123). Invitae Evidence Modeling of protein sequence and biophysical properties (such as structural, functional, and spatial information, amino acid conservation, physicochemical variation, residue mobility, and thermodynamic stability) indicates that this missense variant is not expected to disrupt APP protein function with a negative predictive value of 95%. In summary, the available evidence is currently insufficient to determine the role of this variant in disease. Therefore, it has been classified as a Variant of Uncertain Significance.

PreventionGenetics, part of Exact Sciences
Classification: Uncertain significance for APP-related condition. Last evaluated: 2024-11-18. Review status: criteria provided, single submitter. Criteria: ACMG Guidelines, 2015. Collection method: clinical testing. Allele origin: germline.
Comment: The APP c.574G>A variant is predicted to result in the amino acid substitution p.Glu192Lys. To our knowledge, this variant has not been reported in the literature. This variant is reported in 0.0098% of alleles in individuals of South Asian descent in gnomAD. At this time, the clinical significance of this variant is uncertain due to the absence of conclusive functional and genetic evidence.

Illumina Laboratory Services, Illumina
Classification: Uncertain significance for Alzheimer disease type 1. Last evaluated: 2018-01-13. Review status: criteria provided, single submitter. Criteria: ICSL Variant Classification Criteria 13 December 2019. Collection method: clinical testing. Allele origin: germline.

NM_000484.4(APP):c.574G>A (p.Glu192Lys)

Gene: APP (amyloid beta precursor protein; minus strand). Cytogenetic location: 21q21.3.
Variant type: single nucleotide variant.
Coding change: c.574G>A on transcript NM_000484.4 (MANE Select); coding-DNA position 574, G replaced by A.
Protein change: p.Glu192Lys; replaces glutamic acid 192 with lysine.
Molecular consequence: missense variant.
Genome position (GRCh38, 1-based): chr21:26,051,088, C>T on the plus strand (G>A on the coding strand, the complement: APP is on the minus strand). VCF-style: chr21-26051088-C-T. GRCh37 (hg19) VCF-style: chr21-27423404-C-T.
Other names: c.559G>A, p.Glu187Lys (NM_001136016.3); c.406G>A, p.Glu136Lys (NM_001136129.3, NM_001136130.3); c.469G>A, p.Glu157Lys (NM_001136131.3); c.574G>A, p.Glu192Lys (NM_001204301.2, NM_001204302.2, NM_001204303.2 and 3 more transcripts); short protein forms E187K, E157K, E192K, E136K.
Identifiers: ClinVar variation 899123 (VCV000899123.6), dbSNP rs759517529, ClinGen allele CA9987618.
Genomic context (GRCh38, chr21:26,051,088, plus strand): 5'-CGCCCCACCAGACATCCGAGTCATCCTCCTCCGCATCAGCAGAATCCACATTGTCACTTT[C>T]TTCAGCCAGTGGGCAACACACAAACTCTACCCCTCGGAACTTGTCAATTCCGCAGGGCAG-3'
Protein context (NP_000475.1, residues 182-202): VEFVCCPLAE[Glu192Lys]SDNVDSADAE